The following is an entry in ClinVar:

NM_000038.6(APC):c.8529_8531del (p.Ter2844del)

Gene: APC (APC regulator of Wnt signaling pathway; plus strand). Cytogenetic location: 5q22.2.
Variant type: Deletion.
Coding change: c.8529_8531del on transcript NM_000038.6 (MANE Select); coding-DNA positions 8529 to 8531, 3 bases deleted (TTA; older notation c.8529_8531delTTA).
Protein change: p.Ter2844del.
Molecular consequence: stop lost, inframe deletion. On other transcripts: non-coding transcript variant (2).
Genome position (GRCh38, 1-based): chr5:112,844,123-112,844,125, TTA deleted. VCF-style (leftmost placement, unchanged base first): chr5-112844122-TTTA-T. GRCh37 (hg19) VCF-style: chr5-112179819-TTTA-T.
Other names: c.8529_8531del, p.Ter2844del (NM_001127510.3, NM_001354895.2, NM_001407450.1); c.8475_8477del, p.Ter2826del (NM_001127511.3); c.8583_8585del, p.Ter2862del (NM_001354896.2, NM_001407447.1, NM_001407448.1 and 1 more transcripts); c.8559_8561del, p.Ter2854del (NM_001354897.2); c.8454_8456del, p.Ter2819del (NM_001354898.2); c.8445_8447del, p.Ter2816del (NM_001354899.2); c.8406_8408del, p.Ter2803del (NM_001354900.2); c.8352_8354del, p.Ter2785del (NM_001354901.2, NM_001407453.1); and 11 more; short protein forms :2460del, :2715del, :2826del, :2561del, :2684del, :2743del, :2785del, :2816del.
Identifiers: ClinVar variation 3881969 (VCV003881969.1).

ClinVar aggregate classification (germline): Likely pathogenic (1 of 4 stars; one submission).

Conditions:
Hereditary cancer-predisposing syndrome. Also called: Tumor predisposition; Neoplastic Syndromes, Hereditary; Hereditary Cancer Syndrome; Hereditary neoplastic syndrome. Identifiers: Orphanet 140162, MedGen C0027672, MeSH D009386, MONDO:0015356.

Submission:

Ambry Genetics
Classification: Likely pathogenic for Hereditary cancer-predisposing syndrome. Last evaluated: 2025-02-19. Review status: criteria provided, single submitter. Criteria: Ambry Variant Classification Scheme 2023. Collection method: clinical testing. Allele origin: germline.
Comment: The c.8529_8531delTTA variant (also known as p.*2844Kext*26) is located in coding exon 15 of the APC gene. This variant results from a TTA deletion at nucleotide positions 8529 to 8531. This alteration disrupts the stop codon of the APC gene and is predicted to preserve the native sequence while resulting in the elongation of the protein by 26 amino acids. This variant was reported in individual(s) with features consistent with APC-related familial adenomatous polyposis (Ambry internal data). Similar variants (c.8530T>C, p.*2844Qext*27 and c.8530T>G, p.*2844Eext*27) have been observed in individual(s) with features consistent with APC-related familial adenomatous polyposis (Ambry internal data). Based on the majority of available evidence to date, this variant is likely to be pathogenic.